The following is an entry in ClinVar:

NM_020719.3(PRR12):c.3196T>C (p.Ser1066Pro)

Gene: PRR12 (proline rich 12; plus strand). Cytogenetic location: 19q13.33.
Variant type: single nucleotide variant.
Coding change: c.3196T>C on transcript NM_020719.3 (MANE Select); coding-DNA position 3196, T replaced by C.
Protein change: p.Ser1066Pro; replaces serine 1066 with proline.
Molecular consequence: missense variant.
Genome position (GRCh38, 1-based): chr19:49,597,531, T>C. VCF-style: chr19-49597531-T-C. GRCh37 (hg19) VCF-style: chr19-50100788-T-C.
Other names: short protein forms S1066P.
Identifiers: ClinVar variation 5008443 (VCV005008443.1).
Genomic context (GRCh38, chr19:49,597,531, plus strand): 5'-CCGCCGCCTCCCGCGCCGGCCTCCGAACCCAAGGGTGGCCTCACCTCGCCCATCTTCTGC[T>C]CTACCAAGCCAAAGAAGCTGCTCAAGACATCCTCCTTCCACCTGCTGCGGCGCCGCGACC-3'
Protein context (NP_065770.1, residues 1056-1076): KGGLTSPIFC[Ser1066Pro]TKPKKLLKTS

ClinVar aggregate classification (germline): Uncertain significance (1 of 4 stars; one submission).

Submission:

GeneDx
Classification: Uncertain significance. Last evaluated: 2026-02-12. Review status: criteria provided, single submitter. Criteria: GeneDx Variant Classification Process June 2021. Collection method: clinical testing. Allele origin: germline.
Comment: Not observed at significant frequency in large population cohorts (gnomAD); In silico analysis suggests that this missense variant does not alter protein structure/function; Has not been previously published as pathogenic or benign to our knowledge